The following is an entry in ClinVar:

NM_020297.4(ABCC9):c.3504G>C (p.Gln1168His)

Gene: ABCC9 (ATP binding cassette subfamily C member 9; minus strand). Cytogenetic location: 12p12.1.
Variant type: single nucleotide variant.
Coding change: c.3504G>C on transcript NM_020297.4 (MANE Select); coding-DNA position 3504, G replaced by C.
Protein change: p.Gln1168His; replaces glutamine 1168 with histidine.
Molecular consequence: missense variant.
Genome position (GRCh38, 1-based): chr12:21,838,140, C>G on the plus strand (G>C on the coding strand, the complement: ABCC9 is on the minus strand). VCF-style: chr12-21838140-C-G. GRCh37 (hg19) VCF-style: chr12-21991074-C-G.
Other names: c.3504G>C, p.Gln1168His (NM_001377273.1, NM_005691.4); c.2637G>C, p.Gln879His (NM_001377274.1); short protein forms Q1168H, Q879H.
Identifiers: ClinVar variation 1019097 (VCV001019097.8), dbSNP rs1944197447, ClinGen allele CA384140650.

ClinVar aggregate classification (germline): Uncertain significance (1 of 4 stars; one submission).

Conditions:
Dilated cardiomyopathy 1O (CMD1O). Also called: CARDIOMYOPATHY, DILATED, WITH VENTRICULAR TACHYCARDIA. Identifiers: Orphanet 154, MedGen C1837839, MONDO:0012062, OMIM 608569.

Allele frequency attached by ClinVar (database versions not stated): gnomAD exomes below 0.00001.
gnomAD v4.1: 1 of 1,614,104 alleles (0.000062%); highest among the groups gnomAD compares: East Asian, 0.0022%; no homozygotes.

Submission:

Labcorp Genetics (formerly Invitae), Labcorp
Classification: Uncertain significance for Dilated cardiomyopathy 1O. Last evaluated: 2020-10-29. Review status: criteria provided, single submitter. Criteria: Invitae Variant Classification Sherloc (09022015). Collection method: clinical testing. Allele origin: germline.
Comment: In summary, the available evidence is currently insufficient to determine the role of this variant in disease. Therefore, it has been classified as a Variant of Uncertain Significance. Algorithms developed to predict the effect of missense changes on protein structure and function are either unavailable or do not agree on the potential impact of this missense change (SIFT: "Tolerated"; PolyPhen-2: "Possibly Damaging"; Align-GVGD: "Class C0"). This variant has not been reported in the literature in individuals with ABCC9-related conditions. This variant is not present in population databases (ExAC no frequency). This sequence change replaces glutamine with histidine at codon 1168 of the ABCC9 protein (p.Gln1168His). The glutamine residue is moderately conserved and there is a small physicochemical difference between glutamine and histidine.